The following is an entry in ClinVar:

NM_033004.4(NLRP1):c.127G>A (p.Ala43Thr)

Gene: NLRP1 (NLR family pyrin domain containing 1; minus strand). Cytogenetic location: 17p13.2.
Variant type: single nucleotide variant.
Coding change: c.127G>A on transcript NM_033004.4 (MANE Select); coding-DNA position 127, G replaced by A.
Protein change: p.Ala43Thr; replaces alanine 43 with threonine.
Molecular consequence: missense variant.
Genome position (GRCh38, 1-based): chr17:5,583,831, C>T on the plus strand (G>A on the coding strand, the complement: NLRP1 is on the minus strand). VCF-style: chr17-5583831-C-T. GRCh37 (hg19) VCF-style: chr17-5487151-C-T.
Other names: c.127G>A, p.Ala43Thr (NM_001033053.3, NM_014922.5, NM_033006.4 and 1 more transcripts); short protein forms A43T.
Identifiers: ClinVar variation 2731561 (VCV002731561.3), dbSNP rs145709003, ClinGen allele CA8327645.

ClinVar aggregate classification (germline): Uncertain significance (1 of 4 stars; one submission).

Allele frequency attached by ClinVar (database versions not stated): 1000 Genomes Project 30x 0.00016; ESP Exome Variant Server 0.00008; TOPMed 0.00002; gnomAD 0.00004; ExAC 0.00008; 1000 Genomes Project 0.00020.

Submission:

Labcorp Genetics (formerly Invitae), Labcorp
Classification: Uncertain significance. Last evaluated: 2026-01-24. Review status: criteria provided, single submitter. Criteria: Invitae Variant Classification Sherloc (09022015). Collection method: clinical testing. Allele origin: germline.
Comment: This sequence change replaces alanine, which is neutral and non-polar, with threonine, which is neutral and polar, at codon 43 of the NLRP1 protein (p.Ala43Thr). The frequency data for this variant in the population databases is considered unreliable, as metrics indicate poor data quality at this position in the gnomAD database. This variant has not been reported in the literature in individuals affected with NLRP1-related conditions. ClinVar contains an entry for this variant (Variation ID: 2731561). An algorithm developed to predict the effect of missense changes on protein structure and function outputs the following: PolyPhen-2: "Benign". The threonine amino acid residue is found in multiple mammalian species, which suggests that this missense change does not adversely affect protein function. In summary, the available evidence is currently insufficient to determine the role of this variant in disease. Therefore, it has been classified as a Variant of Uncertain Significance.